The following is an entry in ClinVar:

ClinVar aggregate classification (germline): Uncertain significance (1 of 4 stars; one submission).

Conditions:
Cenani-Lenz syndactyly syndrome. Also called: CENANI SYNDACTYLISM; SYNDACTYLY, TYPE VII. Identifiers: Orphanet 3258, MedGen C1859309, MONDO:0008931, OMIM 212780.
Sclerosteosis 2 (SOST2). Identifiers: Orphanet 3152, MedGen C3280402, MONDO:0013679, OMIM 614305.
Congenital myasthenic syndrome 17. Identifiers: Orphanet 590, MedGen C4225377, MONDO:0014578, OMIM 616304.

Allele frequency attached by ClinVar (database versions not stated): TOPMed 0.00001; gnomAD exomes 0.00001; ExAC 0.00002.
gnomAD v4.1: 15 of 1,614,128 alleles (0.00093%); highest among the groups gnomAD compares: East Asian, 0.0045%; no homozygotes.

Submission:

Labcorp Genetics (formerly Invitae), Labcorp
Classification: Uncertain significance for Cenani-Lenz syndactyly syndrome; Sclerosteosis 2; Congenital myasthenic syndrome 17. Last evaluated: 2025-03-26. Review status: criteria provided, single submitter. Criteria: Invitae Variant Classification Sherloc (09022015). Collection method: clinical testing. Allele origin: germline.
Comment: This sequence change replaces glycine, which is neutral and non-polar, with arginine, which is basic and polar, at codon 1196 of the LRP4 protein (p.Gly1196Arg). This variant is present in population databases (rs745459741, gnomAD 0.004%). This variant has not been reported in the literature in individuals affected with LRP4-related conditions. ClinVar contains an entry for this variant (Variation ID: 969217). Invitae Evidence Modeling of protein sequence and biophysical properties (such as structural, functional, and spatial information, amino acid conservation, physicochemical variation, residue mobility, and thermodynamic stability) indicates that this missense variant is not expected to disrupt LRP4 protein function with a negative predictive value of 80%. In summary, the available evidence is currently insufficient to determine the role of this variant in disease. Therefore, it has been classified as a Variant of Uncertain Significance.

NM_002334.4(LRP4):c.3586G>A (p.Gly1196Arg)

Gene: LRP4 (LDL receptor related protein 4; minus strand). Cytogenetic location: 11p11.2.
Variant type: single nucleotide variant.
Coding change: c.3586G>A on transcript NM_002334.4 (MANE Select); coding-DNA position 3586, G replaced by A.
Protein change: p.Gly1196Arg; replaces glycine 1196 with arginine.
Molecular consequence: missense variant.
Genome position (GRCh38, 1-based): chr11:46,875,917, C>T on the plus strand (G>A on the coding strand, the complement: LRP4 is on the minus strand). VCF-style: chr11-46875917-C-T. GRCh37 (hg19) VCF-style: chr11-46897468-C-T.
Other names: short protein forms G1196R.
Identifiers: ClinVar variation 969217 (VCV000969217.8), dbSNP rs745459741, ClinGen allele CA5969539.